The following is an entry in ClinVar:

NM_005751.5(AKAP9):c.6319C>G (p.Gln2107Glu)

Gene: AKAP9 (A-kinase anchoring protein 9; plus strand). Cytogenetic location: 7q21.2.
Variant type: single nucleotide variant.
Coding change: c.6319C>G on transcript NM_005751.5 (MANE Select); coding-DNA position 6319, C replaced by G.
Protein change: p.Gln2107Glu; replaces glutamine 2107 with glutamic acid.
Molecular consequence: missense variant.
Genome position (GRCh38, 1-based): chr7:92,066,535, C>G. VCF-style: chr7-92066535-C-G. GRCh37 (hg19) VCF-style: chr7-91695849-C-G.
Other names: c.964C>G, p.Gln322Glu (NM_001379277.1); c.6319C>G, p.Gln2107Glu (NM_147185.3); short protein forms Q322E, Q2107E.
Identifiers: ClinVar variation 1752820 (VCV001752820.3), dbSNP rs2535208324, ClinGen allele CA368133416.
Genomic context (GRCh38, chr7:92,066,535, plus strand): 5'-ATACAGAAACTAGAACAGCAACTTAAGGTTGTTCCTCGATTCCAGCCTATCAGTGAACAT[C>G]AAACTAGAGAGGTAAGAACTTCACTGATATTGCCCAACTTACAGTAATTTGTATCAAGTG-3'
Protein context (NP_005742.4, residues 2097-2117): VPRFQPISEH[Gln2107Glu]TREVEQLANH

ClinVar aggregate classification (germline): Uncertain significance (1 of 4 stars; one submission).

Conditions:
Cardiovascular phenotype. Identifiers: MedGen CN230736.

Submission:

Ambry Genetics
Classification: Uncertain significance for Cardiovascular phenotype. Last evaluated: 2025-11-07. Review status: criteria provided, single submitter. Criteria: Ambry Variant Classification Scheme 2023. Collection method: clinical testing. Allele origin: germline.
Comment: The p.Q2107E variant (also known as c.6319C>G), located in coding exon 26 of the AKAP9 gene, results from a C to G substitution at nucleotide position 6319. The glutamine at codon 2107 is replaced by glutamic acid, an amino acid with highly similar properties. This amino acid position is conserved. In addition, this alteration is predicted to be tolerated by in silico analysis. Since supporting evidence is limited at this time, the clinical significance of this alteration remains unclear.